The following is an entry in ClinVar:

NM_000098.3(CPT2):c.1143_1144del (p.Arg382fs)

Gene: CPT2 (carnitine palmitoyltransferase 2; plus strand). Cytogenetic location: 1p32.3.
Variant type: Deletion.
Coding change: c.1143_1144del on transcript NM_000098.3 (MANE Select); coding-DNA positions 1143 to 1144, 2 bases deleted (CA; older notation c.1143_1144delCA).
Protein change: p.Arg382fs; shifts the reading frame from arginine 382.
Molecular consequence: frameshift variant.
Genome position (GRCh38, 1-based): chr1:53,210,817-53,210,818, CA deleted. VCF-style (leftmost placement, unchanged base first): chr1-53210816-TCA-T. GRCh37 (hg19) VCF-style: chr1-53676488-TCA-T.
Other names: c.1143_1144del, p.Arg382fs (NM_001330589.2); short protein forms R382fs.
Identifiers: ClinVar variation 2680939 (VCV002680939.4), dbSNP rs1645420669, ClinGen allele CA1001782790.
Genomic context (GRCh38, chr1:53,210,816, plus strand): 5'-CCAAGGATGGCTCTACTGCCGTCCACTTTGAGCACTCTTGGGGTGATGGTGTGGCAGTGC[TCA>T]GATTTTTTAATGAAGTATTTAAAGACAGCACTCAGACCCCTGCCGTCACTCCACAGAGCC-3'

ClinVar aggregate classification (germline): Pathogenic/Likely pathogenic. Review status: criteria provided, multiple submitters, no conflicts (2 of 4 stars). 2 submissions from 2 submitters: Pathogenic (1); Likely pathogenic (1). Last evaluated 2023-09-11.

Conditions:
Carnitine palmitoyltransferase II deficiency. Also called: Carnitine Palmitoyltransferase 2 Deficiency. Identifiers: Orphanet 157, MedGen C0342790, MONDO:0015515.
Encephalopathy, acute, infection-induced, susceptibility to, 4. Identifiers: Orphanet 263524, MedGen C3280160, MONDO:0013633, OMIM 614212.

Allele frequency attached by ClinVar (database versions not stated): gnomAD 0.00001.

Submissions (2):

Labcorp Genetics (formerly Invitae), Labcorp
Classification: Pathogenic for Carnitine palmitoyltransferase II deficiency. Last evaluated: 2023-09-11. Review status: criteria provided, single submitter. Criteria: Invitae Variant Classification Sherloc (09022015). Collection method: clinical testing. Allele origin: germline.
Comment: For these reasons, this variant has been classified as Pathogenic. This variant has not been reported in the literature in individuals affected with CPT2-related conditions. This variant is not present in population databases (gnomAD no frequency). This sequence change creates a premature translational stop signal (p.Arg382Ilefs*3) in the CPT2 gene. It is expected to result in an absent or disrupted protein product. Loss-of-function variants in CPT2 are known to be pathogenic (PMID: 16781677, 16996287).

Baylor Genetics
Classification: Likely pathogenic for Encephalopathy, acute, infection-induced, susceptibility to, 4. Last evaluated: 2023-06-13. Review status: criteria provided, single submitter. Criteria: ACMG Guidelines, 2015. Collection method: clinical testing. Allele origin: unknown.

Literature cited by the submitters: PubMed 16781677 (cited by Labcorp Genetics (formerly Invitae), Labcorp); PubMed 16996287 (cited by Labcorp Genetics (formerly Invitae), Labcorp).